The following is an entry in ClinVar:

GRCh37/hg19 18q12.3(chr18:40824796-43387120)x1

Genes: SETBP1 (SET binding protein 1; plus strand), SLC14A1 (solute carrier family 14 member 1 (Kidd blood group); plus strand), SLC14A2 (solute carrier family 14 member 2; plus strand), SYT4 (synaptotagmin 4; minus strand). Cytogenetic location: 18q12.3.
Variant type: copy number loss.
Change: copy number 1 (one copy instead of two) of chr18:40,824,796-43,387,120 (2.56 Mb, GRCh37 coordinates, 1-based), cytogenetic band 18q12.3.
Identifiers: ClinVar variation 3391937 (VCV003391937.1).

ClinVar aggregate classification (germline): Pathogenic (1 of 4 stars; one submission).

Submission:

Quest Diagnostics Nichols Institute San Juan Capistrano
Classification: Pathogenic. Last evaluated: 2023-09-27. Review status: criteria provided, single submitter. Criteria: ACMG/ClinGen CNV Guidelines, 2019. Collection method: clinical testing. Allele origin: unknown.
Comment: This deletion interval involves several genes, including SETBP1 (OMIM 611060), haploinsufficiency of which has been associated with autosomal dominant intellectual disability-29 (MRD29; OMIM 616078; CCID:007829; Coe et al., Nat Genet. 2014 Oct;46(10):1063-71. PMID: 25217958; Hamdan et al., PLoS Genet. 2014 Oct 30;10(10):e1004772. PMID: 25356899). Thus, based on current medical literature, this copy number variant (CNV) is classified as pathogenic.